The following is an entry in ClinVar:

NM_001130144.3(LTBP3):c.329T>C (p.Val110Ala)

Gene: LTBP3 (latent transforming growth factor beta binding protein 3; minus strand). Cytogenetic location: 11q13.1.
Variant type: single nucleotide variant.
Coding change: c.329T>C on transcript NM_001130144.3 (MANE Select); coding-DNA position 329, T replaced by C.
Protein change: p.Val110Ala; replaces valine 110 with alanine.
Molecular consequence: missense variant. On other transcripts: splice donor variant (1).
Genome position (GRCh38, 1-based): chr11:65,557,631, A>G on the plus strand (T>C on the coding strand, the complement: LTBP3 is on the minus strand). VCF-style: chr11-65557631-A-G. GRCh37 (hg19) VCF-style: chr11-65325102-A-G.
Other names: c.329T>C, p.Val110Ala (NM_021070.4); c.-21+2T>C (NM_001164266.1); short protein forms V110A.
Identifiers: ClinVar variation 2842304 (VCV002842304.3), dbSNP rs2496186211, ClinGen allele CA381277584.

ClinVar aggregate classification (germline): Uncertain significance (1 of 4 stars; one submission).

Conditions:
Brachyolmia-amelogenesis imperfecta syndrome. Also called: PLATYSPONDYLY WITH AMELOGENESIS IMPERFECTA; Tooth agenesis, selective, 6; Dental anomalies and short stature. Identifiers: Orphanet 2899, MedGen C1832594, MONDO:0011018, OMIM 601216. Disease mechanism: loss of function.

Submission:

Labcorp Genetics (formerly Invitae), Labcorp
Classification: Uncertain significance for Brachyolmia-amelogenesis imperfecta syndrome. Last evaluated: 2023-03-02. Review status: criteria provided, single submitter. Criteria: Invitae Variant Classification Sherloc (09022015). Collection method: clinical testing. Allele origin: germline.
Comment: In summary, the available evidence is currently insufficient to determine the role of this variant in disease. Therefore, it has been classified as a Variant of Uncertain Significance. Algorithms developed to predict the effect of sequence changes on RNA splicing suggest that this variant may disrupt the consensus splice site. An algorithm developed to predict the effect of missense changes on protein structure and function (PolyPhen-2) suggests that this variant is likely to be tolerated. This variant has not been reported in the literature in individuals affected with LTBP3-related conditions. This variant is not present in population databases (gnomAD no frequency). This sequence change replaces valine, which is neutral and non-polar, with alanine, which is neutral and non-polar, at codon 110 of the LTBP3 protein (p.Val110Ala).